The following is an entry in ClinVar:

NC_000022.11:g.(?_46335391)_(46335856_?)del

Gene: TRMU (tRNA mitochondrial 2-thiouridylase; plus strand). Cytogenetic location: 22q13.31.
Variant type: Deletion.
Identifiers: ClinVar variation 831311 (VCV000831311.5).

ClinVar aggregate classification (germline): Pathogenic (1 of 4 stars; one submission).

Submission:

Labcorp Genetics (formerly Invitae), Labcorp
Classification: Pathogenic. Last evaluated: 2022-09-05. Review status: criteria provided, single submitter. Criteria: Invitae Variant Classification Sherloc (09022015). Collection method: clinical testing. Allele origin: germline.
Comment: This variant is a gross deletion of the genomic region encompassing exon(s) 1 of the TRMU gene, which includes the initiator codon. This deletion extends beyond the assayed region for this gene and therefore may encompass additional genes. It is expected to result in an absent or disrupted protein product. Loss-of-function variants in TRMU are known to be pathogenic (PMID: 19732863, 23625533). This variant has not been reported in the literature in individuals affected with TRMU-related conditions. For these reasons, this variant has been classified as Pathogenic.

Literature cited by the submitters: PubMed 19732863; PubMed 23625533.